The following is an entry in ClinVar:

ClinVar aggregate classification (germline): Uncertain significance (1 of 4 stars; one submission).

Conditions:
Cryopyrin associated periodic syndrome (CAPS). Identifiers: Orphanet 208650, MedGen C2316212, MONDO:0016168.

Allele frequency attached by ClinVar (database versions not stated): TOPMed below 0.00001.

Submission:

Labcorp Genetics (formerly Invitae), Labcorp
Classification: Uncertain significance for Cryopyrin associated periodic syndrome. Last evaluated: 2023-07-25. Review status: criteria provided, single submitter. Criteria: Invitae Variant Classification Sherloc (09022015). Collection method: clinical testing. Allele origin: germline.
Comment: This sequence change replaces histidine, which is basic and polar, with glutamine, which is neutral and polar, at codon 916 of the NLRP3 protein (p.His916Gln). This variant is present in population databases (no rsID available, gnomAD 0.007%). This variant has not been reported in the literature in individuals affected with NLRP3-related conditions. Advanced modeling of protein sequence and biophysical properties (such as structural, functional, and spatial information, amino acid conservation, physicochemical variation, residue mobility, and thermodynamic stability) performed at Invitae indicates that this missense variant is not expected to disrupt NLRP3 protein function. In summary, the available evidence is currently insufficient to determine the role of this variant in disease. Therefore, it has been classified as a Variant of Uncertain Significance.

NM_001243133.2(NLRP3):c.2742C>A (p.His914Gln)

Gene: NLRP3 (NLR family pyrin domain containing 3; plus strand). Cytogenetic location: 1q44.
Variant type: single nucleotide variant.
Coding change: c.2742C>A on transcript NM_001243133.2 (MANE Select); coding-DNA position 2742, C replaced by A.
Protein change: p.His914Gln; replaces histidine 914 with glutamine.
Molecular consequence: missense variant.
Genome position (GRCh38, 1-based): chr1:247,444,050, C>A. VCF-style: chr1-247444050-C-A. GRCh37 (hg19) VCF-style: chr1-247607352-C-A.
Other names: c.2742C>A, p.His914Gln (NM_001079821.3); c.2571C>A, p.His857Gln (NM_001127461.3, NM_001127462.3); c.2748C>A, p.His916Gln (NM_004895.5); c.2400C>A, p.His800Gln (NM_183395.3); short protein forms H914Q, H800Q, H857Q, H916Q.
Identifiers: ClinVar variation 2746975 (VCV002746975.3), dbSNP rs1311500550, ClinGen allele CA345565040.
Genomic context (GRCh38, chr1:247,444,050, plus strand): 5'-TACGTCAGTCTGTTGTTCAGCTTTGTCCTCGGTACTCAGCACTAATCAGAATCTCACGCA[C>A]CTTTACCTGCGAGGCAACACTCTCGGAGACAAGGGGATCAAACTACTCTGTGAGGGACTC-3'
Protein context (NP_001230062.1, residues 904-924): SVLSTNQNLT[His914Gln]LYLRGNTLGD